The following is an entry in ClinVar:

NM_000090.4(COL3A1):c.119C>G (p.Ala40Gly)

Gene: COL3A1 (collagen type III alpha 1 chain; plus strand). Cytogenetic location: 2q32.2.
Variant type: single nucleotide variant.
Coding change: c.119C>G on transcript NM_000090.4 (MANE Select); coding-DNA position 119, C replaced by G.
Protein change: p.Ala40Gly; replaces alanine 40 with glycine.
Molecular consequence: missense variant.
Genome position (GRCh38, 1-based): chr2:188,984,799, C>G. VCF-style: chr2-188984799-C-G. GRCh37 (hg19) VCF-style: chr2-189849525-C-G.
Other names: short protein forms A40G.
Identifiers: ClinVar variation 925735 (VCV000925735.11), dbSNP rs201380807, ClinGen allele CA349846899.

ClinVar aggregate classification (germline): Uncertain significance. Review status: criteria provided, multiple submitters, no conflicts (2 of 4 stars). 2 submissions from 2 submitters: Uncertain significance (2). Last evaluated 2024-03-07.

Conditions:
Ehlers-Danlos syndrome, type 4 (EDSVASC). Also called: Ehlers-Danlos syndrome vascular type; Ehlers Danlos syndrome, ecchymotic type; Ehlers Danlos syndrome, arterial type; Ehlers Danlos syndrome, Sack-Barabas type; Ehlers-Danlos Syndrome Type IV. Identifiers: Orphanet 286, MedGen C0268338, MONDO:0017314, OMIM 130050.
Familial thoracic aortic aneurysm and aortic dissection (TAAD). Also called: Thoracic aortic aneurysms and dissections. Identifiers: Orphanet 91387, MedGen C4707243, MONDO:0019625.

gnomAD v4.1: 1 of 1,613,006 alleles (0.000062%); highest among the groups gnomAD compares: Admixed American, 0.0017%; no homozygotes.

Submissions (2):

Color Diagnostics, LLC DBA Color Health
Classification: Uncertain significance for Familial thoracic aortic aneurysm and aortic dissection. Last evaluated: 2024-03-07. Review status: criteria provided, single submitter. Criteria: ACMG Guidelines, 2015. Collection method: clinical testing. Allele origin: germline.
Comment: This missense variant replaces alanine with glycine at codon 40 of the COL3A1 protein. Computational prediction suggests that this variant may not impact protein structure and function (internally defined REVEL score threshold <= 0.5, PMID: 27666373). Splice site prediction tools suggest that this variant may not impact RNA splicing. To our knowledge, functional studies have not been reported for this variant. This variant has not been reported in individuals affected with cardiovascular disorders in the literature. This variant has been identified in 1/250932 chromosomes in the general population by the Genome Aggregation Database (gnomAD). The available evidence is insufficient to determine the role of this variant in disease conclusively. Therefore, this variant is classified as a Variant of Uncertain Significance.

Labcorp Genetics (formerly Invitae), Labcorp
Classification: Uncertain significance for Ehlers-Danlos syndrome, type 4. Last evaluated: 2024-02-24. Review status: criteria provided, single submitter. Criteria: Invitae Variant Classification Sherloc (09022015). Collection method: clinical testing. Allele origin: germline.
Comment: This sequence change replaces alanine, which is neutral and non-polar, with glycine, which is neutral and non-polar, at codon 40 of the COL3A1 protein (p.Ala40Gly). This variant is present in population databases (no rsID available, gnomAD 0.003%). This variant has not been reported in the literature in individuals affected with COL3A1-related conditions. ClinVar contains an entry for this variant (Variation ID: 925735). Advanced modeling of protein sequence and biophysical properties (such as structural, functional, and spatial information, amino acid conservation, physicochemical variation, residue mobility, and thermodynamic stability) performed at Invitae indicates that this missense variant is not expected to disrupt COL3A1 protein function with a negative predictive value of 95%. In summary, the available evidence is currently insufficient to determine the role of this variant in disease. Therefore, it has been classified as a Variant of Uncertain Significance.